The following is an entry in ClinVar:

ClinVar aggregate classification (germline): Conflicting classifications of pathogenicity. Review status: criteria provided, conflicting classifications (1 of 4 stars). 2 submissions from 2 submitters: Uncertain significance (1); Likely benign (1). Last evaluated 2024-11-15.

Conditions:
Familial cancer of breast. Also called: BREAST CANCER, FAMILIAL; Hereditary breast cancer; hereditary breast carcinoma. Identifiers: Orphanet 227535, MedGen C0346153, MONDO:0016419, OMIM 114480. Disease mechanism: loss of function.
Hereditary cancer-predisposing syndrome. Also called: Hereditary Cancer Syndrome; Neoplastic Syndromes, Hereditary; Tumor predisposition; Hereditary neoplastic syndrome. Identifiers: Orphanet 140162, MedGen C0027672, MeSH D009386, MONDO:0015356.

Submissions (2):

Labcorp Genetics (formerly Invitae), Labcorp
Classification: Uncertain significance for Familial cancer of breast. Last evaluated: 2024-11-15. Review status: criteria provided, single submitter. Criteria: Invitae Variant Classification Sherloc (09022015). Collection method: clinical testing. Allele origin: germline.
Comment: This sequence change replaces aspartic acid, which is acidic and polar, with glycine, which is neutral and non-polar, at codon 595 of the PALB2 protein (p.Asp595Gly). This variant is not present in population databases (gnomAD no frequency). This variant has not been reported in the literature in individuals affected with PALB2-related conditions. ClinVar contains an entry for this variant (Variation ID: 481021). Invitae Evidence Modeling of protein sequence and biophysical properties (such as structural, functional, and spatial information, amino acid conservation, physicochemical variation, residue mobility, and thermodynamic stability) indicates that this missense variant is not expected to disrupt PALB2 protein function with a negative predictive value of 80%. In summary, the available evidence is currently insufficient to determine the role of this variant in disease. Therefore, it has been classified as a Variant of Uncertain Significance.

Ambry Genetics
Classification: Likely benign for Hereditary cancer-predisposing syndrome. Last evaluated: 2023-11-14. Review status: criteria provided, single submitter. Criteria: Ambry Variant Classification Scheme 2023. Collection method: clinical testing. Allele origin: germline.

NM_024675.4(PALB2):c.1784A>G (p.Asp595Gly)

Gene: PALB2 (partner and localizer of BRCA2; minus strand). Cytogenetic location: 16p12.2.
Variant type: single nucleotide variant.
Coding change: c.1784A>G on transcript NM_024675.4 (MANE Select); coding-DNA position 1784, A replaced by G.
Protein change: p.Asp595Gly; replaces aspartic acid 595 with glycine.
Molecular consequence: missense variant.
Genome position (GRCh38, 1-based): chr16:23,630,370, T>C on the plus strand (A>G on the coding strand, the complement: PALB2 is on the minus strand). VCF-style: chr16-23630370-T-C. GRCh37 (hg19) VCF-style: chr16-23641691-T-C.
Other names: short protein forms D595G.
Identifiers: ClinVar variation 481021 (VCV000481021.15), dbSNP rs1555460652, ClinGen allele CA395128119.
Genomic context (GRCh38, chr16:23,630,370, plus strand): 5'-GGTAACTGAAAGTCTGTGATACTGAGAAAAGACAGTAGTTGCTTTAAACTCAGCATTCCA[T>C]CCCTATGAAATGGAGCCGTGAAAGCATCATCATCCAAGGATAAATAAGCACTATTACTCC-3'
Protein context (NP_078951.2, residues 585-605): DDAFTAPFHR[Asp595Gly]GMLSLKQLLS